The following is an entry in ClinVar:

ClinVar aggregate classification (germline): Uncertain significance (1 of 4 stars; one submission).

gnomAD v4.1: 2 of 1,526,550 alleles (0.00013%); highest among the groups gnomAD compares: African/African-American, 0.0014%; no homozygotes.

Submission:

Mayo Clinic Laboratories, Mayo Clinic
Classification: Uncertain significance. Last evaluated: 2025-05-19. Review status: criteria provided, single submitter. Criteria: ACMG Guidelines, 2015. Collection method: clinical testing. Allele origin: germline. Observed: 1 variant allele.
Comment: BP4_moderate

NM_001098816.3(TENM4):c.1511C>A (p.Thr504Asn)

Gene: TENM4 (teneurin transmembrane protein 4; minus strand). Cytogenetic location: 11q14.1.
Variant type: single nucleotide variant.
Coding change: c.1511C>A on transcript NM_001098816.3 (MANE Select); coding-DNA position 1511, C replaced by A.
Protein change: p.Thr504Asn; replaces threonine 504 with asparagine.
Molecular consequence: missense variant.
Genome position (GRCh38, 1-based): chr11:78,854,274, G>T on the plus strand (C>A on the coding strand, the complement: TENM4 is on the minus strand). VCF-style: chr11-78854274-G-T. GRCh37 (hg19) VCF-style: chr11-78565319-G-T.
Other names: p.Thr504Asn; short protein forms T504N.
Identifiers: ClinVar variation 4541660 (VCV004541660.1).